The following is an entry in ClinVar:

ClinVar aggregate classification (germline): Uncertain significance (1 of 4 stars; one submission).

Conditions:
Inborn genetic diseases. Identifiers: MedGen C0950123, MeSH D030342.

Submission:

Ambry Genetics
Classification: Uncertain significance for Inborn genetic diseases. Last evaluated: 2024-09-08. Review status: criteria provided, single submitter. Criteria: Ambry Variant Classification Scheme 2023. Collection method: clinical testing. Allele origin: germline.
Comment: The p.C954S variant (also known as c.2861G>C), located in coding exon 14 of the ATR gene, results from a G to C substitution at nucleotide position 2861. The cysteine at codon 954 is replaced by serine, an amino acid with dissimilar properties. This amino acid position is conserved. In addition, this alteration is predicted to be tolerated by in silico analysis. Since supporting evidence is limited at this time, the clinical significance of this alteration remains unclear.

NM_001184.4(ATR):c.2861G>C (p.Cys954Ser)

Gene: ATR (ATR checkpoint kinase; minus strand). Cytogenetic location: 3q23.
Variant type: single nucleotide variant.
Coding change: c.2861G>C on transcript NM_001184.4 (MANE Select); coding-DNA position 2861, G replaced by C.
Protein change: p.Cys954Ser; replaces cysteine 954 with serine.
Molecular consequence: missense variant.
Genome position (GRCh38, 1-based): chr3:142,550,247, C>G on the plus strand (G>C on the coding strand, the complement: ATR is on the minus strand). VCF-style: chr3-142550247-C-G. GRCh37 (hg19) VCF-style: chr3-142269089-C-G.
Other names: c.2669G>C, p.Cys890Ser (NM_001354579.2); short protein forms C890S, C954S.
Identifiers: ClinVar variation 1796967 (VCV001796967.3), dbSNP rs751341031, ClinGen allele CA354813144.